The following is an entry in ClinVar:

ClinVar aggregate classification (germline): Uncertain significance (1 of 4 stars; one submission).

Submission:

Labcorp Genetics (formerly Invitae), Labcorp
Classification: Uncertain significance. Last evaluated: 2023-07-28. Review status: criteria provided, single submitter. Criteria: Invitae Variant Classification Sherloc (09022015). Collection method: clinical testing. Allele origin: germline.
Comment: This variant has not been reported in the literature in individuals affected with LRP2-related conditions. In summary, the available evidence is currently insufficient to determine the role of this variant in disease. Therefore, it has been classified as a Variant of Uncertain Significance. This variant is a gross deletion of the genomic region encompassing exon(s) 17-19 of the LRP2 gene. This variant would be expected to be in-frame, preserving the integrity of the reading frame.

NC_000002.11:g.(?_170112596)_(170115747_?)del

Gene: LRP2 (LDL receptor related protein 2; minus strand). Cytogenetic location: 2q31.1.
Variant type: Deletion.
Identifiers: ClinVar variation 2425144 (VCV002425144.4).